The following is an entry in ClinVar:

ClinVar aggregate classification (germline): Benign/Likely benign. Review status: criteria provided, multiple submitters, no conflicts (2 of 4 stars). 3 submissions from 3 submitters: Benign (1); Likely benign (2). Last evaluated 2025-05-30.

Conditions:
Tuberous sclerosis 2 (TSC2). Identifiers: Orphanet 805, MedGen C1860707, MONDO:0013199, OMIM 613254.
Hereditary cancer-predisposing syndrome. Also called: Hereditary Cancer Syndrome; Hereditary neoplastic syndrome; Neoplastic Syndromes, Hereditary; Tumor predisposition. Identifiers: Orphanet 140162, MedGen C0027672, MeSH D009386, MONDO:0015356.

gnomAD v4.1: 3 of 1,612,942 alleles (0.00019%); highest among the groups gnomAD compares: Middle Eastern, 0.016%; no homozygotes.

Submissions (3):

Myriad Genetics, Inc.
Classification: Benign for Tuberous sclerosis 2. Last evaluated: 2025-05-30. Review status: criteria provided, single submitter. Criteria: Myriad Autosomal Dominant, Autosomal Recessive and X-Linked Classification Criteria (2023). Collection method: clinical testing. Allele origin: unknown.
Comment: This variant is considered benign. This variant is a silent/synonymous amino acid change and it is not expected to impact splicing.

Labcorp Genetics (formerly Invitae), Labcorp
Classification: Likely benign for Tuberous sclerosis 2. Last evaluated: 2025-01-26. Review status: criteria provided, single submitter. Criteria: Invitae Variant Classification Sherloc (09022015). Collection method: clinical testing. Allele origin: germline.

Ambry Genetics
Classification: Likely benign for Hereditary cancer-predisposing syndrome. Last evaluated: 2023-12-08. Review status: criteria provided, single submitter. Criteria: Ambry Variant Classification Scheme 2023. Collection method: clinical testing. Allele origin: germline.

NM_000548.5(TSC2):c.3663G>C (p.Ser1221=)

Gene: TSC2 (TSC complex subunit 2; plus strand). Cytogenetic location: 16p13.3.
Variant type: single nucleotide variant.
Coding change: c.3663G>C on transcript NM_000548.5 (MANE Select); coding-DNA position 3663, G replaced by C.
Protein change: p.Ser1221=; no amino-acid change (serine 1221 retained).
Molecular consequence: synonymous variant.
Genome position (GRCh38, 1-based): chr16:2,081,647, G>C. VCF-style: chr16-2081647-G-C. GRCh37 (hg19) VCF-style: chr16-2131648-G-C.
Other names: c.3663G>C (NM_000548.3); c.3531G>C, p.Ser1177= (NM_001077183.3, NM_001370404.1); c.3663G>C, p.Ser1221= (NM_001114382.3); c.3423G>C, p.Ser1141= (NM_001318827.2); c.3387G>C, p.Ser1129= (NM_001318829.2); c.2931G>C, p.Ser977= (NM_001318831.2); c.3564G>C, p.Ser1188= (NM_001318832.2); c.3534G>C, p.Ser1178= (NM_001363528.2, NM_001370405.1, NM_021055.3).
Identifiers: ClinVar variation 1150212 (VCV001150212.11), dbSNP rs137854268, ClinGen allele CA493043038.